The following is an entry in ClinVar:

ClinVar aggregate classification (germline): Uncertain significance (1 of 4 stars; one submission).

Submission:

GeneDx
Classification: Uncertain significance. Last evaluated: 2024-04-15. Review status: criteria provided, single submitter. Criteria: GeneDx Variant Classification Process June 2021. Collection method: clinical testing. Allele origin: germline. Affected: yes.
Comment: Frameshift variant predicted to result in protein truncation or nonsense mediated decay in a gene for which loss of function is a known mechanism of disease; Has not been previously published as pathogenic or benign to our knowledge

NM_003865.3(HESX1):c.246_249del (p.Arg83fs)

Gene: HESX1 (HESX homeobox 1; minus strand). Cytogenetic location: 3p14.3.
Variant type: Microsatellite.
Coding change: c.246_249del on transcript NM_003865.3 (MANE Select); coding-DNA positions 246 to 249, 4 bases deleted (AAGA; older notation c.246_249delAAGA).
Protein change: p.Arg83fs; shifts the reading frame from arginine 83.
Molecular consequence: frameshift variant.
Genome position (GRCh38, 1-based): chr3:57,198,861-57,198,864, TCTT deleted on the plus strand (AAGA on the coding strand, the reverse complement: HESX1 is on the minus strand); deleting any 4 consecutive bases within chr3:57,198,861-57,198,868 gives the same sequence; the c. name uses the placement nearest the transcript's 3' end. VCF-style (leftmost placement, unchanged base first): chr3-57198860-CTCTT-C. GRCh37 (hg19) VCF-style: chr3-57232888-CTCTT-C.
Other names: c.246_249del, p.Arg83fs (NM_001376058.1, NM_001376059.1, NM_001376060.1 and 1 more transcripts); short protein forms R83fs.
Identifiers: ClinVar variation 3372605 (VCV003372605.1).